The following is an entry in ClinVar:

ClinVar aggregate classification (germline): Uncertain significance (1 of 4 stars; one submission).

Conditions:
Gastrointestinal stromal tumor. Also called: Gastrointestinal stromal tumor, somatic; Gastrointestinal stroma tumor. Identifiers: Orphanet 44890, MedGen C0238198, MeSH D046152, MONDO:0011719, OMIM 606764, HP:0100723.

Submission:

Labcorp Genetics (formerly Invitae), Labcorp
Classification: Uncertain significance for Gastrointestinal stromal tumor. Last evaluated: 2019-01-19. Review status: criteria provided, single submitter. Criteria: Invitae Variant Classification Sherloc (09022015). Collection method: clinical testing. Allele origin: germline.
Comment: This sequence change replaces lysine with arginine at codon 931 of the PDGFRA protein (p.Lys931Arg). The lysine residue is moderately conserved and there is a small physicochemical difference between lysine and arginine. In summary, the available evidence is currently insufficient to determine the role of this variant in disease. Therefore, it has been classified as a Variant of Uncertain Significance. Algorithms developed to predict the effect of sequence changes on RNA splicing suggest that this variant may create or strengthen a splice site, but this prediction has not been confirmed by published transcriptional studies. Algorithms developed to predict the effect of missense changes on protein structure and function (SIFT, PolyPhen-2, Align-GVGD) all suggest that this variant is likely to be tolerated, but these predictions have not been confirmed by published functional studies and their clinical significance is uncertain. This variant has not been reported in the literature in individuals with PDGFRA-related conditions. This variant is not present in population databases (ExAC no frequency).

NM_006206.6(PDGFRA):c.2792A>G (p.Lys931Arg)

Gene: PDGFRA (platelet derived growth factor receptor alpha; plus strand). Cytogenetic location: 4q12.
Variant type: single nucleotide variant.
Coding change: c.2792A>G on transcript NM_006206.6 (MANE Select); coding-DNA position 2792, A replaced by G.
Protein change: p.Lys931Arg; replaces lysine 931 with arginine.
Molecular consequence: missense variant.
Genome position (GRCh38, 1-based): chr4:54,289,026, A>G. VCF-style: chr4-54289026-A-G. GRCh37 (hg19) VCF-style: chr4-55155193-A-G.
Other names: c.2867A>G, p.Lys956Arg (NM_001347828.2); c.2792A>G, p.Lys931Arg (NM_001347829.2); c.2831A>G, p.Lys944Arg (NM_001347830.2); short protein forms K956R, K931R, K944R.
Identifiers: ClinVar variation 838977 (VCV000838977.10), dbSNP rs1724499165, ClinGen allele CA356895681.
Genomic context (GRCh38, chr4:54,289,026, plus strand): 5'-TGAGACTTCCCCCTGTGCCCACTCTTGAGTTCTGTCCCCACAGCTACGAGATCATGGTGA[A>G]ATGCTGGAACAGTGAGCCGGAGAAGAGACCCTCCTTTTACCACCTGAGTGAGATTGTGGA-3'
Protein context (NP_006197.1, residues 921-941): ATSEVYEIMV[Lys931Arg]CWNSEPEKRP